The following is an entry in ClinVar:

NM_145239.3(PRRT2):c.130C>T (p.Gln44Ter)

Genes: MVP-DT (MVP divergent transcript; minus strand), PRRT2 (proline rich transmembrane protein 2; plus strand). Cytogenetic location: 16p11.2.
Variant type: single nucleotide variant.
Coding change: c.130C>T on transcript NM_145239.3 (MANE Select); coding-DNA position 130, C replaced by T.
Protein change: p.Gln44Ter; replaces glutamine 44 with a stop codon.
Molecular consequence: nonsense.
Genome position (GRCh38, 1-based): chr16:29,813,184, C>T. VCF-style: chr16-29813184-C-T. GRCh37 (hg19) VCF-style: chr16-29824505-C-T.
Other names: c.130C>T, p.Gln44Ter (NM_001256442.2, NM_001256443.2, NM_001438120.1 and 2 more transcripts); short protein forms Q44*.
Identifiers: ClinVar variation 4724774 (VCV004724774.1).

ClinVar aggregate classification (germline): Pathogenic (1 of 4 stars; one submission).

Conditions:
Episodic kinesigenic dyskinesia (EKD). Also called: Paroxysmal kinesigenic dyskinesia. Identifiers: Orphanet 98809, MedGen C1868682, MONDO:0044202.

Submission:

Labcorp Genetics (formerly Invitae), Labcorp
Classification: Pathogenic for Episodic kinesigenic dyskinesia. Last evaluated: 2025-09-24. Review status: criteria provided, single submitter. Criteria: Invitae Variant Classification Sherloc (09022015). Collection method: clinical testing. Allele origin: germline.
Comment: This sequence change creates a premature translational stop signal (p.Gln44*) in the PRRT2 gene. It is expected to result in an absent or disrupted protein product. Loss-of-function variants in PRRT2 are known to be pathogenic (PMID: 22623405, 22744660). This variant is not present in population databases (gnomAD no frequency). This variant has not been reported in the literature in individuals affected with PRRT2-related conditions. For these reasons, this variant has been classified as Pathogenic.

Literature cited by the submitters: PubMed 22623405; PubMed 22744660.